The following is an entry in ClinVar:

NM_000208.4(INSR):c.3449T>C (p.Leu1150Pro)

Gene: INSR (insulin receptor; minus strand). Cytogenetic location: 19p13.2.
Variant type: single nucleotide variant.
Coding change: c.3449T>C on transcript NM_000208.4 (MANE Select); coding-DNA position 3449, T replaced by C.
Protein change: p.Leu1150Pro; replaces leucine 1150 with proline.
Molecular consequence: missense variant.
Genome position (GRCh38, 1-based): chr19:7,122,694, A>G on the plus strand (T>C on the coding strand, the complement: INSR is on the minus strand). VCF-style: chr19-7122694-A-G. GRCh37 (hg19) VCF-style: chr19-7122705-A-G.
Other names: c.3413T>C, p.Leu1138Pro (NM_001079817.3); short protein forms L1138P, L1150P.
Identifiers: ClinVar variation 4709518 (VCV004709518.1).

ClinVar aggregate classification (germline): Uncertain significance (1 of 4 stars; one submission).

Submission:

Labcorp Genetics (formerly Invitae), Labcorp
Classification: Uncertain significance. Last evaluated: 2025-07-29. Review status: criteria provided, single submitter. Criteria: Invitae Variant Classification Sherloc (09022015). Collection method: clinical testing. Allele origin: germline.
Comment: This sequence change replaces leucine, which is neutral and non-polar, with proline, which is neutral and non-polar, at codon 1150 of the INSR protein (p.Leu1150Pro). This variant is not present in population databases (gnomAD no frequency). This variant has not been reported in the literature in individuals affected with INSR-related conditions. Invitae Evidence Modeling of protein sequence and biophysical properties (such as structural, functional, and spatial information, amino acid conservation, physicochemical variation, residue mobility, and thermodynamic stability) indicates that this missense variant is expected to disrupt INSR protein function with a positive predictive value of 95%. In summary, the available evidence is currently insufficient to determine the role of this variant in disease. Therefore, it has been classified as a Variant of Uncertain Significance.